The following is an entry in ClinVar:

NM_007347.5(AP4E1):c.2495C>T (p.Ser832Leu)

Gene: AP4E1 (adaptor related protein complex 4 subunit epsilon 1; plus strand). Cytogenetic location: 15q21.2.
Variant type: single nucleotide variant.
Coding change: c.2495C>T on transcript NM_007347.5 (MANE Select); coding-DNA position 2495, C replaced by T.
Protein change: p.Ser832Leu; replaces serine 832 with leucine.
Molecular consequence: missense variant.
Genome position (GRCh38, 1-based): chr15:50,997,474, C>T. VCF-style: chr15-50997474-C-T. GRCh37 (hg19) VCF-style: chr15-51289671-C-T.
Other names: c.2270C>T, p.Ser757Leu (NM_001252127.2); short protein forms S832L, S757L.
Identifiers: ClinVar variation 128396 (VCV000128396.13), dbSNP rs144189610, ClinGen allele CA230881.
Genomic context (GRCh38, chr15:50,997,474, plus strand): 5'-ATATGACCTGTTCTTCCTTTAGTTCTTTGTCAAATGTGGCATATGAAGATGATTATTATT[C>T]GAATACTTTGCACGATACAGGAGACAAGGAATTAAAGAAATTTTCTCTCACTTCAGAACT-3'
Protein context (NP_031373.2, residues 822-842): SNVAYEDDYY[Ser832Leu]NTLHDTGDKE

ClinVar aggregate classification (germline): Conflicting classifications of pathogenicity. Review status: criteria provided, conflicting classifications (1 of 4 stars). 3 submissions from 3 submitters: Uncertain significance (2); Likely benign (1). Last evaluated 2024-12-14.

Conditions:
Inborn genetic diseases. Identifiers: MedGen C0950123, MeSH D030342.
Spastic paraplegia. Identifiers: MedGen C0037772, HP:0001258.

Allele frequency attached by ClinVar (database versions not stated): ExAC 0.00002; 1000 Genomes Project 30x 0.00016; 1000 Genomes Project 0.00020.
gnomAD v4.1: 47 of 1,613,954 alleles (0.0029%); highest among the groups gnomAD compares: East Asian, 0.011%; no homozygotes.

Submissions (3):

Ambry Genetics
Classification: Likely benign for Inborn genetic diseases. Last evaluated: 2024-12-14. Review status: criteria provided, single submitter. Criteria: Ambry Variant Classification Scheme 2023. Collection method: clinical testing. Allele origin: germline.

Labcorp Genetics (formerly Invitae), Labcorp
Classification: Uncertain significance for Spastic paraplegia. Last evaluated: 2024-04-29. Review status: criteria provided, single submitter. Criteria: Invitae Variant Classification Sherloc (09022015). Collection method: clinical testing. Allele origin: germline.
Comment: This sequence change replaces serine, which is neutral and polar, with leucine, which is neutral and non-polar, at codon 832 of the AP4E1 protein (p.Ser832Leu). This variant is present in population databases (rs144189610, gnomAD 0.005%). This variant has not been reported in the literature in individuals affected with AP4E1-related conditions. ClinVar contains an entry for this variant (Variation ID: 128396). Algorithms developed to predict the effect of missense changes on protein structure and function output the following: SIFT: "Not Available"; PolyPhen-2: "Benign"; Align-GVGD: "Not Available". The leucine amino acid residue is found in multiple mammalian species, which suggests that this missense change does not adversely affect protein function. In summary, the available evidence is currently insufficient to determine the role of this variant in disease. Therefore, it has been classified as a Variant of Uncertain Significance.

Genetic Services Laboratory, University of Chicago
Classification: Uncertain significance. Last evaluated: 2013-03-25. Review status: criteria provided, single submitter. Criteria: ACMG Guidelines, 2007. Collection method: clinical testing. Allele origin: germline. Inheritance: Autosomal recessive inheritance.